The following is an entry in ClinVar:

NM_017755.6(NSUN2):c.1103C>T (p.Thr368Met)

Gene: NSUN2 (NOP2/Sun RNA methyltransferase 2; minus strand). Cytogenetic location: 5p15.31.
Variant type: single nucleotide variant.
Coding change: c.1103C>T on transcript NM_017755.6 (MANE Select); coding-DNA position 1103, C replaced by T.
Protein change: p.Thr368Met; replaces threonine 368 with methionine.
Molecular consequence: missense variant. On other transcripts: non-coding transcript variant (1).
Genome position (GRCh38, 1-based): chr5:6,611,078, G>A on the plus strand (C>T on the coding strand, the complement: NSUN2 is on the minus strand). VCF-style: chr5-6611078-G-A. GRCh37 (hg19) VCF-style: chr5-6611191-G-A.
Other names: c.998C>T, p.Thr333Met (NM_001193455.2); short protein forms T333M, T368M.
Identifiers: ClinVar variation 917592 (VCV000917592.2), dbSNP rs200705396, ClinGen allele CA3192542.

ClinVar aggregate classification (germline): Uncertain significance. Review status: criteria provided, multiple submitters, no conflicts (2 of 4 stars). 2 submissions from 2 submitters: Uncertain significance (2). Last evaluated 2025-09-30.

Allele frequency attached by ClinVar (database versions not stated): gnomAD 0.00001; gnomAD exomes 0.00002 and 0.00005; TOPMed 0.00002; ExAC 0.00003.
gnomAD v4.1: 29 of 1,613,968 alleles (0.0018%); highest among the groups gnomAD compares: Middle Eastern, 0.016%; no homozygotes.

Submissions (2):

Labcorp Genetics (formerly Invitae), Labcorp
Classification: Uncertain significance. Last evaluated: 2025-09-30. Review status: criteria provided, single submitter. Criteria: Invitae Variant Classification Sherloc (09022015). Collection method: clinical testing. Allele origin: germline.
Comment: This sequence change replaces threonine, which is neutral and polar, with methionine, which is neutral and non-polar, at codon 368 of the NSUN2 protein (p.Thr368Met). This variant is present in population databases (rs200705396, gnomAD 0.06%). This variant has not been reported in the literature in individuals affected with NSUN2-related conditions. ClinVar contains an entry for this variant (Variation ID: 917592). Invitae Evidence Modeling of protein sequence and biophysical properties (such as structural, functional, and spatial information, amino acid conservation, physicochemical variation, residue mobility, and thermodynamic stability) indicates that this missense variant is not expected to disrupt NSUN2 protein function with a negative predictive value of 80%. In summary, the available evidence is currently insufficient to determine the role of this variant in disease. Therefore, it has been classified as a Variant of Uncertain Significance.

Women's Health and Genetics/Laboratory Corporation of America, LabCorp
Classification: Uncertain significance. Last evaluated: 2020-01-28. Review status: criteria provided, single submitter. Criteria: LabCorp Variant Classification Summary - May 2015. Collection method: clinical testing. Allele origin: germline.
Comment: Variant summary: NSUN2 c.1103C>T (p.Thr368Met) results in a non-conservative amino acid change located in the SAM-dependent methyltransferase RsmB/NOP2-type domain (IPR001678) of the encoded protein sequence. Three of five in-silico tools predict a benign effect of the variant on protein function. The variant allele was found at a frequency of 5.2e-05 in 251456 control chromosomes (gnomAD). To our knowledge, no occurrence of c.1103C>T in individuals affected with Mental retardation, autosomal recessive and no experimental evidence demonstrating its impact on protein function have been reported. No clinical diagnostic laboratories have submitted clinical-significance assessments for this variant to ClinVar after 2014. Based on the evidence outlined above, the variant was classified as uncertain significance.